The following is an entry in ClinVar:

ClinVar aggregate classification (germline): Uncertain significance (1 of 4 stars; one submission).

Conditions:
PRPH2-related disorder. Also called: PRPH2-related disorders; PRPH2-related condition. Identifiers: MedGen CN239395.

Submission:

Labcorp Genetics (formerly Invitae), Labcorp
Classification: Uncertain significance for PRPH2-related disorder. Last evaluated: 2024-02-24. Review status: criteria provided, single submitter. Criteria: Invitae Variant Classification Sherloc (09022015). Collection method: clinical testing. Allele origin: germline.
Comment: This variant, c.930_932del, results in the deletion of 1 amino acid(s) of the PRPH2 protein (p.Arg310del), but otherwise preserves the integrity of the reading frame. This variant is present in population databases (rs750992655, gnomAD 0.01%). This variant has not been reported in the literature in individuals affected with PRPH2-related conditions. Experimental studies and prediction algorithms are not available or were not evaluated, and the functional significance of this variant is currently unknown. In summary, the available evidence is currently insufficient to determine the role of this variant in disease. Therefore, it has been classified as a Variant of Uncertain Significance.

NM_000322.5(PRPH2):c.927GAG[1] (p.Arg310del)

Gene: PRPH2 (peripherin 2; minus strand). Cytogenetic location: 6p21.1.
Variant type: Microsatellite.
Coding change: c.927GAG[1] on transcript NM_000322.5 (MANE Select); one copy of the 3-base unit GAG starting at c.927; the reference has two copies in a row; one copy, 3 bases deleted.
Protein change: p.Arg310del; deletes arginine 310.
Genome position (GRCh38, 1-based): chr6:42,698,404-42,698,406, CTC deleted on the plus strand (GAG on the coding strand, the reverse complement: PRPH2 is on the minus strand); deleting any 3 consecutive bases within chr6:42,698,404-42,698,409 gives the same sequence; the position shown is the placement nearest the transcript's 3' end. VCF-style (leftmost placement, unchanged base first): chr6-42698403-GCTC-G. GRCh37 (hg19) VCF-style: chr6-42666141-GCTC-G.
Other names: short protein forms R310del.
Identifiers: ClinVar variation 3665257 (VCV003665257.2).